The following is an entry in ClinVar:

NM_001457.4(FLNB):c.3724+3G>A

Gene: FLNB (filamin B; plus strand). Cytogenetic location: 3p14.3.
Variant type: single nucleotide variant.
Coding change: c.3724+3G>A on transcript NM_001457.4 (MANE Select); 3 bases into the intron after coding-DNA position 3724, G replaced by A.
Molecular consequence: intron variant.
Genome position (GRCh38, 1-based): chr3:58,123,693, G>A. VCF-style: chr3-58123693-G-A. GRCh37 (hg19) VCF-style: chr3-58109420-G-A.
Other names: c.3724+3G>A (NM_001164317.2, NM_001164318.2, NM_001164319.2).
Identifiers: ClinVar variation 4718058 (VCV004718058.1).

ClinVar aggregate classification (germline): Uncertain significance (1 of 4 stars; one submission).

Submission:

Labcorp Genetics (formerly Invitae), Labcorp
Classification: Uncertain significance. Last evaluated: 2025-04-21. Review status: criteria provided, single submitter. Criteria: Invitae Variant Classification Sherloc (09022015). Collection method: clinical testing. Allele origin: germline.
Comment: This sequence change falls in intron 21 of the FLNB gene. It does not directly change the encoded amino acid sequence of the FLNB protein. It affects a nucleotide within the consensus splice site. This variant is present in population databases (rs377301989, gnomAD 0.001%). This variant has not been reported in the literature in individuals affected with FLNB-related conditions. Variants that disrupt the consensus splice site are a relatively common cause of aberrant splicing (PMID: 17576681, 9536098). Algorithms developed to predict the effect of sequence changes on RNA splicing suggest that this variant is not likely to affect RNA splicing. In summary, the available evidence is currently insufficient to determine the role of this variant in disease. Therefore, it has been classified as a Variant of Uncertain Significance.

Literature cited by the submitters: PubMed 17576681; PubMed 9536098.